The following is an entry in ClinVar:

NM_012120.3(CD2AP):c.*502A>G

Gene: CD2AP (CD2 associated protein; plus strand). Cytogenetic location: 6p12.3.
Variant type: single nucleotide variant.
Coding change: c.*502A>G on transcript NM_012120.3 (MANE Select); 502 bases downstream of the stop codon, A replaced by G.
Molecular consequence: 3 prime UTR variant.
Genome position (GRCh38, 1-based): chr6:47,624,729, A>G. VCF-style: chr6-47624729-A-G. GRCh37 (hg19) VCF-style: chr6-47592465-A-G.
Identifiers: ClinVar variation 357211 (VCV000357211.5), dbSNP rs35274349, ClinGen allele CA10627054.

ClinVar aggregate classification (germline): Benign (1 of 4 stars; one submission).

Conditions:
Focal segmental glomerulosclerosis 3, susceptibility to (FSGS3). Identifiers: Orphanet 656, MedGen C1842982, MONDO:0011917, OMIM 607832.

Allele frequency attached by ClinVar (database versions not stated): 1000 Genomes Project 0.14856; gnomAD 0.16974 and 0.17025.

Submission:

Illumina Laboratory Services, Illumina
Classification: Benign for Focal segmental glomerulosclerosis 3, susceptibility to. Last evaluated: 2018-01-13. Review status: criteria provided, single submitter. Criteria: ICSL Variant Classification Criteria 13 December 2019. Collection method: clinical testing. Allele origin: germline.
Comment: This variant was observed in the ICSL laboratory as part of a predisposition screen in an ostensibly healthy population. It had not been previously curated by ICSL or reported in the Human Gene Mutation Database (HGMD: prior to June 1st, 2018), and was therefore a candidate for classification through an automated scoring system. Utilizing variant allele frequency, disease prevalence and penetrance estimates, and inheritance mode, an automated score was calculated to assess if this variant is too frequent to cause the disease. Based on the score and internal cut-off values, a variant classified as benign is not then subjected to further curation. The score for this variant resulted in a classification of benign for this disease.